The following is an entry in ClinVar:

NM_000051.4(ATM):c.4766C>T (p.Ser1589Leu)

Gene: ATM (ATM serine/threonine kinase; plus strand). Cytogenetic location: 11q22.3.
Variant type: single nucleotide variant.
Coding change: c.4766C>T on transcript NM_000051.4 (MANE Select); coding-DNA position 4766, C replaced by T.
Protein change: p.Ser1589Leu; replaces serine 1589 with leucine.
Molecular consequence: missense variant.
Genome position (GRCh38, 1-based): chr11:108,293,467, C>T. VCF-style: chr11-108293467-C-T. GRCh37 (hg19) VCF-style: chr11-108164194-C-T.
Other names: c.4766C>T, p.Ser1589Leu (NM_001351834.2); short protein forms S1589L.
Identifiers: ClinVar variation 864665 (VCV000864665.9), dbSNP rs2082925270, ClinGen allele CA382535181.

ClinVar aggregate classification (germline): Uncertain significance (1 of 4 stars; one submission).

Conditions:
Ataxia-telangiectasia syndrome (AT). Also called: LOUIS-BAR SYNDROME; Ataxia telangiectasia (A-T); Ataxia-telangiectasia, complementation group D; Cerebello-oculocutaneous telangiectasia; Immunodeficiency with ataxia telangiectasia; Ataxia-telangiectasia. Identifiers: Orphanet 100, MedGen C0004135, MONDO:0008840, OMIM 208900.

Allele frequency attached by ClinVar (database versions not stated): gnomAD exomes below 0.00001.
gnomAD v4.1: 2 of 1,611,202 alleles (0.00012%); highest among the groups gnomAD compares: Non-Finnish European, 0.00017%; no homozygotes.

Submission:

Labcorp Genetics (formerly Invitae), Labcorp
Classification: Uncertain significance for Ataxia-telangiectasia syndrome. Last evaluated: 2019-03-12. Review status: criteria provided, single submitter. Criteria: Invitae Variant Classification Sherloc (09022015). Collection method: clinical testing. Allele origin: germline.
Comment: In summary, the available evidence is currently insufficient to determine the role of this variant in disease. Therefore, it has been classified as a Variant of Uncertain Significance. Algorithms developed to predict the effect of missense changes on protein structure and function (SIFT, PolyPhen-2, Align-GVGD) all suggest that this variant is likely to be tolerated, but these predictions have not been confirmed by published functional studies and their clinical significance is uncertain. This variant has not been reported in the literature in individuals with ATM-related conditions. This variant is not present in population databases (ExAC no frequency). This sequence change replaces serine with leucine at codon 1589 of the ATM protein (p.Ser1589Leu). The serine residue is moderately conserved and there is a large physicochemical difference between serine and leucine.